The following is an entry in ClinVar:

ClinVar aggregate classification (germline): Uncertain significance (1 of 4 stars; one submission).

Submission:

Women's Health and Genetics/Laboratory Corporation of America, LabCorp
Classification: Uncertain significance. Last evaluated: 2025-12-30. Review status: criteria provided, single submitter. Criteria: LabCorp Variant Classification Summary - May 2015. Collection method: clinical testing. Allele origin: germline.
Comment: Variant summary: ASPA c.454T>A (p.Cys152Ser) results in a non-conservative amino acid change in the encoded protein sequence. Algorithms developed to predict the effect of missense changes on protein structure and function all suggest that this variant is likely to be disruptive. The variant was absent in 251422 control chromosomes. The available data on variant occurrences in the general population are insufficient to allow any conclusion about variant significance. To our knowledge, no occurrence of c.454T>A in individuals affected with ASPA-related conditions and no experimental evidence demonstrating its impact on protein function have been reported. A different variant affecting the same codon has been classified as likely pathogenic/pathogenic by our lab (c.454T>C, p.Cys152Arg), supporting the critical relevance of codon 152 to ASPA protein function. No submitters have cited clinical-significance assessments for this variant to ClinVar. Based on the evidence outlined above, the variant was classified as uncertain significance.

NM_000049.4(ASPA):c.454T>A (p.Cys152Ser)

Genes: ASPA (aspartoacylase; plus strand), SPATA22 (spermatogenesis associated 22; minus strand). Cytogenetic location: 17p13.2.
Variant type: single nucleotide variant.
Coding change: c.454T>A on transcript NM_000049.4 (MANE Select); coding-DNA position 454, T replaced by A.
Protein change: p.Cys152Ser; replaces cysteine 152 with serine.
Molecular consequence: missense variant. On other transcripts: intron variant (2).
Genome position (GRCh38, 1-based): chr17:3,483,520, T>A. VCF-style: chr17-3483520-T-A. GRCh37 (hg19) VCF-style: chr17-3386814-T-A.
Other names: c.454T>A, p.Cys152Ser (NM_001128085.1); c.-73-14122A>T (NM_001321336.2, NM_001321337.2); short protein forms C152S.
Identifiers: ClinVar variation 4688563 (VCV004688563.1).